The following is an entry in ClinVar:

ClinVar aggregate classification (germline): Uncertain significance (1 of 4 stars; one submission).

Conditions:
Pitt-Hopkins-like syndrome 2 (PTHSL2). Identifiers: Orphanet 221150, Orphanet 600663, MedGen C3280479, MONDO:0013690, OMIM 614325.

Submission:

Labcorp Genetics (formerly Invitae), Labcorp
Classification: Uncertain significance for Pitt-Hopkins-like syndrome 2. Last evaluated: 2022-09-07. Review status: criteria provided, single submitter. Criteria: Invitae Variant Classification Sherloc (09022015). Collection method: clinical testing. Allele origin: germline.
Comment: In summary, the available evidence is currently insufficient to determine the role of this variant in disease. Therefore, it has been classified as a Variant of Uncertain Significance. Experimental studies and prediction algorithms are not available or were not evaluated, and the effect of this variant on mRNA splicing is currently unknown. This variant has not been reported in the literature in individuals affected with NRXN1-related conditions. Information on the frequency of this variant in the gnomAD database is not available, as this variant may be reported differently in the database. This sequence change affects codon 170 of the NRXN1 mRNA. It is a 'silent' change, meaning that it does not change the encoded amino acid sequence of the NRXN1 protein.

NM_001330078.2(NRXN1):c.510_511delinsTT (p.Thr170_Leu171=)

Gene: NRXN1 (neurexin 1; minus strand). Cytogenetic location: 2p16.3.
Variant type: Indel.
Coding change: c.510_511delinsTT on transcript NM_001330078.2 (MANE Select); coding-DNA positions 510 to 511, CC replaced by TT.
Protein change: p.Thr170_Leu171=.
Molecular consequence: synonymous variant.
Genome position (GRCh38, 1-based): chr2:51,027,763-51,027,764, GG replaced by AA on the plus strand (CC replaced by TT on the coding strand, the reverse complement: NRXN1 is on the minus strand). VCF-style: chr2-51027763-GG-AA. GRCh37 (hg19) VCF-style: chr2-51254901-GG-AA.
Other names: c.510_511delinsTT, p.Thr170_Leu171= (NM_001330079.2, NM_001330081.2, NM_001135659.3 and 15 more transcripts).
Identifiers: ClinVar variation 1972865 (VCV001972865.5), dbSNP rs2468075119, ClinGen allele CA2580067303.